The following is an entry in ClinVar:

NM_022915.5(MRPL44):c.38A>G (p.His13Arg)

Genes: MRPL44 (mitochondrial ribosomal protein L44; plus strand), LOC129935704 (ATAC-STARR-seq lymphoblastoid active region 17184; plus strand). Cytogenetic location: 2q36.1.
Variant type: single nucleotide variant.
Coding change: c.38A>G on transcript NM_022915.5 (MANE Select); coding-DNA position 38, A replaced by G.
Protein change: p.His13Arg; replaces histidine 13 with arginine.
Molecular consequence: missense variant.
Genome position (GRCh38, 1-based): chr2:223,957,510, A>G. VCF-style: chr2-223957510-A-G. GRCh37 (hg19) VCF-style: chr2-224822227-A-G.
Other names: p.H13R:CAT>CGT; short protein forms H13R.
Identifiers: ClinVar variation 214666 (VCV000214666.9), dbSNP rs534596036, ClinGen allele CA325365.

ClinVar aggregate classification (germline): Uncertain significance. Review status: criteria provided, multiple submitters, no conflicts (2 of 4 stars). 2 submissions from 2 submitters: Uncertain significance (2). Last evaluated 2023-11-27.

Allele frequency attached by ClinVar (database versions not stated): gnomAD exomes 0.00003 and 0.00012; ExAC 0.00009; gnomAD 0.00010 and 0.00011; TOPMed 0.00013; 1000 Genomes Project 30x 0.00016; 1000 Genomes Project 0.00020.
gnomAD v4.1: 63 of 1,614,158 alleles (0.0039%); highest among the groups gnomAD compares: Admixed American, 0.1%; no homozygotes.

Submissions (2):

Labcorp Genetics (formerly Invitae), Labcorp
Classification: Uncertain significance. Last evaluated: 2023-11-27. Review status: criteria provided, single submitter. Criteria: Invitae Variant Classification Sherloc (09022015). Collection method: clinical testing. Allele origin: germline.
Comment: This sequence change replaces histidine, which is basic and polar, with arginine, which is basic and polar, at codon 13 of the MRPL44 protein (p.His13Arg). This variant is present in population databases (rs534596036, gnomAD 0.09%). This variant has not been reported in the literature in individuals affected with MRPL44-related conditions. ClinVar contains an entry for this variant (Variation ID: 214666). An algorithm developed to predict the effect of missense changes on protein structure and function (PolyPhen-2) suggests that this variant¬†is likely to be tolerated. In summary, the available evidence is currently insufficient to determine the role of this variant in disease. Therefore, it has been classified as a Variant of Uncertain Significance.

GeneDx
Classification: Uncertain significance. Last evaluated: 2023-10-26. Review status: criteria provided, single submitter. Criteria: GeneDx Variant Classification Process June 2021. Collection method: clinical testing. Allele origin: germline. Affected: yes.
Comment: In silico analysis supports that this missense variant does not alter protein structure/function; Has not been previously published as pathogenic or benign to our knowledge